The following is an entry in ClinVar:

NM_000492.4(CFTR):c.3138A>T (p.Glu1046Asp)

Genes: CFTR (CF transmembrane conductance regulator; plus strand), CFTR-AS2 (CFTR antisense RNA 2; minus strand), LOC111674472 (DNase I hypersensitive sites in introns 16 and 17a of CFTR; plus strand). Cytogenetic location: 7q31.2.
Variant type: single nucleotide variant.
Coding change: c.3138A>T on transcript NM_000492.4 (MANE Select); coding-DNA position 3138, A replaced by T.
Protein change: p.Glu1046Asp; replaces glutamic acid 1046 with aspartic acid.
Molecular consequence: missense variant.
Genome position (GRCh38, 1-based): chr7:117,610,668, A>T. VCF-style: chr7-117610668-A-T. GRCh37 (hg19) VCF-style: chr7-117250722-A-T.
Other names: short protein forms E1046D.
Identifiers: ClinVar variation 4227437 (VCV004227437.1).
Genomic context (GRCh38, chr7:117,610,668, plus strand): 5'-TATTATGTTGAGAGCATATTTCCTCCAAACCTCACAGCAACTCAAACAACTGGAATCTGA[A>T]GGTATGACAGTGAATGTGCGATACTCATCTTGTAAAAAAGCTATAAGAGCTATTTGAGAT-3'
Protein context (NP_000483.3, residues 1036-1056): TSQQLKQLES[Glu1046Asp]GRSPIFTHLV

ClinVar aggregate classification (germline): Uncertain significance (1 of 4 stars; one submission).

Conditions:
Cystic fibrosis (CF). Also called: MUCOVISCIDOSIS. Identifiers: Orphanet 586, MedGen C0010674, MONDO:0009061, OMIM 219700. Disease mechanism: loss of function.

Submission:

Ambry Genetics
Classification: Uncertain significance for Cystic fibrosis. Last evaluated: 2025-08-20. Review status: criteria provided, single submitter. Criteria: Ambry Variant Classification Scheme 2023. Collection method: clinical testing. Allele origin: germline.
Comment: The p.E1046D variant (also known as c.3138A>T), located in coding exon 19 of the CFTR gene, results from an A to T substitution at nucleotide position 3138. The glutamic acid at codon 1046 is replaced by aspartic acid, an amino acid with highly similar properties. This amino acid position is conserved. In addition, this alteration is predicted to be deleterious by in silico analysis. Based on the available evidence, the clinical significance of this variant remains unclear.